The following is an entry in ClinVar:

NM_006420.3(ARFGEF2):c.3129G>T (p.Leu1043Phe)

Gene: ARFGEF2 (ARF guanine nucleotide exchange factor 2; plus strand). Cytogenetic location: 20q13.13.
Variant type: single nucleotide variant.
Coding change: c.3129G>T on transcript NM_006420.3 (MANE Select); coding-DNA position 3129, G replaced by T.
Protein change: p.Leu1043Phe; replaces leucine 1043 with phenylalanine.
Molecular consequence: missense variant.
Genome position (GRCh38, 1-based): chr20:48,995,790, G>T. VCF-style: chr20-48995790-G-T. GRCh37 (hg19) VCF-style: chr20-47612327-G-T.
Other names: c.3129G>T (NM_006420.2); short protein forms L1043F.
Identifiers: ClinVar variation 1436986 (VCV001436986.10), dbSNP rs148770948, ClinGen allele CA9898845.

ClinVar aggregate classification (germline): Conflicting classifications of pathogenicity. Review status: criteria provided, conflicting classifications (1 of 4 stars). 3 submissions from 3 submitters: Uncertain significance (1); Likely benign (1). 1 of the submissions does not count toward it. Last evaluated 2024-10-11.

Conditions:
ARFGEF2-related disorder. Also called: ARFGEF2-related condition.
Periventricular heterotopia with microcephaly, autosomal recessive (ARPHM). Also called: Periventricular heterotopia with microcephaly; PERIVENTRICULAR NODULAR HETEROTOPIA 2. Identifiers: Orphanet 2149, MedGen C1842563, MONDO:0011966, OMIM 608097.

Allele frequency attached by ClinVar (database versions not stated): gnomAD exomes 0.00015; ExAC 0.00021; TOPMed 0.00055; gnomAD 0.00061 and 0.00063; 1000 Genomes Project 30x 0.00094; ESP Exome Variant Server 0.00100; 1000 Genomes Project 0.00120.
gnomAD v4.1: 175 of 1,614,032 alleles (0.011%); highest among the groups gnomAD compares: African/African-American, 0.21%; no homozygotes.

Submissions (3):

ARUP Laboratories, Molecular Genetics and Genomics, ARUP Laboratories
Classification: Likely benign for Periventricular heterotopia with microcephaly, autosomal recessive. Last evaluated: 2024-10-11. Review status: criteria provided, single submitter. Criteria: ARUP Molecular Germline Variant Investigation Process 2024. Collection method: clinical testing. Allele origin: germline.

Labcorp Genetics (formerly Invitae), Labcorp
Classification: Uncertain significance. Last evaluated: 2023-12-18. Review status: criteria provided, single submitter. Criteria: Invitae Variant Classification Sherloc (09022015). Collection method: clinical testing. Allele origin: germline.
Comment: This sequence change replaces leucine, which is neutral and non-polar, with phenylalanine, which is neutral and non-polar, at codon 1043 of the ARFGEF2 protein (p.Leu1043Phe). This variant is present in population databases (rs148770948, gnomAD 0.2%). This variant has not been reported in the literature in individuals affected with ARFGEF2-related conditions. ClinVar contains an entry for this variant (Variation ID: 1436986). An algorithm developed to predict the effect of missense changes on protein structure and function (PolyPhen-2) suggests that this variant¬†is likely to be tolerated. In summary, the available evidence is currently insufficient to determine the role of this variant in disease. Therefore, it has been classified as a Variant of Uncertain Significance.

PreventionGenetics, part of Exact Sciences
Classification: Likely benign for ARFGEF2-related condition. Last evaluated: 2024-01-03. Review status: no assertion criteria provided. Collection method: clinical testing. Allele origin: germline. Not counted in ClinVar's aggregate classification.
Comment: This variant is classified as likely benign based on ACMG/AMP sequence variant interpretation guidelines (Richards et al. 2015 PMID: 25741868, with internal and published modifications).